The following is an entry in ClinVar:

ClinVar aggregate classification (germline): Uncertain significance (1 of 4 stars; one submission).

Allele frequency attached by ClinVar (database versions not stated): gnomAD exomes below 0.00001 and 0.00001; gnomAD 0.00001; TOPMed 0.00003; ESP Exome Variant Server 0.00008.
gnomAD v4.1: 11 of 1,597,532 alleles (0.00069%); highest among the groups gnomAD compares: Admixed American, 0.0053%; no homozygotes.

Submission:

Labcorp Genetics (formerly Invitae), Labcorp
Classification: Uncertain significance. Last evaluated: 2026-01-06. Review status: criteria provided, single submitter. Criteria: Invitae Variant Classification Sherloc (09022015). Collection method: clinical testing. Allele origin: germline.
Comment: This sequence change falls in intron 10 of the TNNI3K gene. It does not directly change the encoded amino acid sequence of the TNNI3K protein. It affects a nucleotide within the consensus splice site. This variant is present in population databases (rs202245342, gnomAD 0.003%). This variant has not been reported in the literature in individuals affected with TNNI3K-related conditions. ClinVar contains an entry for this variant (Variation ID: 1466810). Variants that disrupt the consensus splice site are a relatively common cause of aberrant splicing (PMID: 17576681, 9536098). Algorithms developed to predict the effect of sequence changes on RNA splicing suggest that this variant is not likely to affect RNA splicing. In summary, the available evidence is currently insufficient to determine the role of this variant in disease. Therefore, it has been classified as a Variant of Uncertain Significance.

Literature cited by the submitters: PubMed 17576681; PubMed 9536098.

NM_015978.3(TNNI3K):c.1028-3C>T

Genes: FPGT-TNNI3K (FPGT-TNNI3K readthrough; plus strand), TNNI3K (TNNI3 interacting kinase; plus strand). Cytogenetic location: 1p31.1.
Variant type: single nucleotide variant.
Coding change: c.1028-3C>T on transcript NM_015978.3 (MANE Select); 3 bases into the intron before coding-DNA position 1028, C replaced by T.
Molecular consequence: intron variant.
Genome position (GRCh38, 1-based): chr1:74,353,977, C>T. VCF-style: chr1-74353977-C-T. GRCh37 (hg19) VCF-style: chr1-74819661-C-T.
Other names: c.1331-3C>T (NM_001112808.3, NM_001199327.2).
Identifiers: ClinVar variation 1466810 (VCV001466810.6), dbSNP rs202245342, ClinGen allele CA24534292.
Genomic context (GRCh38, chr1:74,353,977, plus strand): 5'-TGAAAATTGGGGAGCAGTTTTTCTTTTTTCTCCTTTTGTTCTTTCAATTCTTTTCTATTA[C>T]AGGATTACACTCTGCTTGCTACCACGGTCACATTCGCCTGGTTCAGTTCTTACTGGATAA-3'